The following is an entry in ClinVar:

NM_000270.3(PNP):c.*728T>C

Gene: PNP (purine nucleoside phosphorylase; plus strand). Cytogenetic location: 14q11.2.
Variant type: single nucleotide variant.
Coding change: c.*728T>C on transcript NM_000270.3; 728 bases downstream of the stop codon, T replaced by C.
Genome position (GRCh38, 1-based): chr14:20,477,329, T>C. VCF-style: chr14-20477329-T-C. GRCh37 (hg19) VCF-style: chr14-20945488-T-C.
Identifiers: ClinVar variation 312745 (VCV000312745.7), dbSNP rs1760933, ClinGen allele CA10639863.

ClinVar aggregate classification (germline): Benign (1 of 4 stars; one submission).

Conditions:
Purine-nucleoside phosphorylase deficiency. Also called: Immunodeficiency due to purine nucleoside phosphorylase deficiency; NUCLEOSIDE PHOSPHORYLASE DEFICIENCY. Identifiers: Orphanet 760, MedGen C0268125, MONDO:0013171, OMIM 613179.

Allele frequency attached by ClinVar (database versions not stated): gnomAD 0.96474 and 0.96437; 1000 Genomes Project 30x 0.97517; 1000 Genomes Project 0.97744; TOPMed 0.96183.

Submission:

Illumina Laboratory Services, Illumina
Classification: Benign for Purine-nucleoside phosphorylase deficiency. Last evaluated: 2018-01-12. Review status: criteria provided, single submitter. Criteria: ICSL Variant Classification Criteria 13 December 2019. Collection method: clinical testing. Allele origin: germline.
Comment: This variant was observed in the ICSL laboratory as part of a predisposition screen in an ostensibly healthy population. It had not been previously curated by ICSL or reported in the Human Gene Mutation Database (HGMD: prior to June 1st, 2018), and was therefore a candidate for classification through an automated scoring system. Utilizing variant allele frequency, disease prevalence and penetrance estimates, and inheritance mode, an automated score was calculated to assess if this variant is too frequent to cause the disease. Based on the score and internal cut-off values, a variant classified as benign is not then subjected to further curation. The score for this variant resulted in a classification of benign for this disease.